The following is an entry in ClinVar:

NM_003200.5(TCF3):c.1098G>A (p.Thr366=)

Gene: TCF3 (transcription factor 3; minus strand). Cytogenetic location: 19p13.3.
Variant type: single nucleotide variant.
Coding change: c.1098G>A on transcript NM_003200.5 (MANE Select); coding-DNA position 1098, G replaced by A.
Protein change: p.Thr366=; no amino-acid change (threonine 366 retained).
Molecular consequence: synonymous variant.
Genome position (GRCh38, 1-based): chr19:1,619,849, C>T on the plus strand (G>A on the coding strand, the complement: TCF3 is on the minus strand). VCF-style: chr19-1619849-C-T. GRCh37 (hg19) VCF-style: chr19-1619848-C-T.
Other names: c.1098G>A (NM_003200.3); c.1098G>A, p.Thr366= (NM_001136139.4, NM_001351778.2, NM_001351779.2).
Identifiers: ClinVar variation 1953401 (VCV001953401.7), dbSNP rs750143915, ClinGen allele CA9050049.

ClinVar aggregate classification (germline): Likely benign. Review status: criteria provided, multiple submitters, no conflicts (2 of 4 stars). 3 submissions from 3 submitters: Likely benign (2). 1 of the submissions does not count toward it. Last evaluated 2024-05-23.

Conditions:
TCF3-related disorder. Also called: TCF3-related condition.

Allele frequency attached by ClinVar (database versions not stated): gnomAD 0.00002; TOPMed 0.00003; ExAC 0.00007.
gnomAD v4.1: 25 of 1,577,138 alleles (0.0016%); highest among the groups gnomAD compares: Middle Eastern, 0.017%; no homozygotes.

Submissions (3):

Blueprint Genetics
Classification: Likely benign. Last evaluated: 2024-05-23. Review status: criteria provided, single submitter. Criteria: ACMG Guidelines, 2015. Collection method: clinical testing. Allele origin: germline.

Labcorp Genetics (formerly Invitae), Labcorp
Classification: Likely benign. Last evaluated: 2023-12-30. Review status: criteria provided, single submitter. Criteria: Invitae Variant Classification Sherloc (09022015). Collection method: clinical testing. Allele origin: germline.

PreventionGenetics, part of Exact Sciences
Classification: Likely benign for TCF3-related condition. Last evaluated: 2019-04-10. Review status: no assertion criteria provided. Collection method: clinical testing. Allele origin: germline. Not counted in ClinVar's aggregate classification.
Comment: This variant is classified as likely benign based on ACMG/AMP sequence variant interpretation guidelines (Richards et al. 2015 PMID: 25741868, with internal and published modifications).